The following is an entry in ClinVar:

NM_001367561.1(DOCK7):c.2365C>T (p.Leu789Phe)

Gene: DOCK7 (dedicator of cytokinesis 7; minus strand). Cytogenetic location: 1p31.3.
Variant type: single nucleotide variant.
Coding change: c.2365C>T on transcript NM_001367561.1 (MANE Select); coding-DNA position 2365, C replaced by T.
Protein change: p.Leu789Phe; replaces leucine 789 with phenylalanine.
Molecular consequence: missense variant.
Genome position (GRCh38, 1-based): chr1:62,559,055, G>A on the plus strand (C>T on the coding strand, the complement: DOCK7 is on the minus strand). VCF-style: chr1-62559055-G-A. GRCh37 (hg19) VCF-style: chr1-63024726-G-A.
Other names: c.2365C>T, p.Leu789Phe (NM_001271999.2, NM_001272000.2, NM_001272001.2 and 2 more transcripts); short protein forms L789F.
Identifiers: ClinVar variation 1803590 (VCV001803590.1), dbSNP rs1646235697, ClinGen allele CA340626240.

ClinVar aggregate classification (germline): Uncertain significance (1 of 4 stars; one submission).

Submission:

GeneDx
Classification: Uncertain significance. Last evaluated: 2022-06-08. Review status: criteria provided, single submitter. Criteria: GeneDx Variant Classification Process June 2021. Collection method: clinical testing. Allele origin: germline. Affected: yes.
Comment: Not observed at significant frequency in large population cohorts (gnomAD); In silico analysis supports that this missense variant does not alter protein structure/function; Has not been previously published as pathogenic or benign to our knowledge